The following is an entry in ClinVar:

ClinVar aggregate classification (germline): Uncertain significance (1 of 4 stars; one submission).

Conditions:
Early-onset Lafora body disease. Also called: Epilepsy, progressive myoclonic, 10. Identifiers: Orphanet 324290, MedGen C4225258, MONDO:0014717, OMIM 616640.

Allele frequency attached by ClinVar (database versions not stated): ExAC 0.00001; gnomAD 0.00001; TOPMed 0.00003.
gnomAD v4.1: 4 of 1,606,940 alleles (0.00025%); highest among the groups gnomAD compares: African/African-American, 0.0054%; no homozygotes.

Submission:

Labcorp Genetics (formerly Invitae), Labcorp
Classification: Uncertain significance for Early-onset Lafora body disease. Last evaluated: 2023-07-07. Review status: criteria provided, single submitter. Criteria: Invitae Variant Classification Sherloc (09022015). Collection method: clinical testing. Allele origin: germline.
Comment: ClinVar contains an entry for this variant (Variation ID: 1364794). This variant has not been reported in the literature in individuals affected with PRDM8-related conditions. This variant is present in population databases (rs768031665, gnomAD 0.008%). This sequence change replaces serine, which is neutral and polar, with arginine, which is basic and polar, at codon 287 of the PRDM8 protein (p.Ser287Arg). Algorithms developed to predict the effect of missense changes on protein structure and function output the following: SIFT: "Not Available"; PolyPhen-2: "Benign"; Align-GVGD: "Not Available". The arginine amino acid residue is found in multiple mammalian species, which suggests that this missense change does not adversely affect protein function. In summary, the available evidence is currently insufficient to determine the role of this variant in disease. Therefore, it has been classified as a Variant of Uncertain Significance.

NM_001099403.2(PRDM8):c.861C>G (p.Ser287Arg)

Gene: PRDM8 (PR/SET domain 8; plus strand). Cytogenetic location: 4q21.21.
Variant type: single nucleotide variant.
Coding change: c.861C>G on transcript NM_001099403.2 (MANE Select); coding-DNA position 861, C replaced by G.
Protein change: p.Ser287Arg; replaces serine 287 with arginine.
Molecular consequence: missense variant.
Genome position (GRCh38, 1-based): chr4:80,202,323, C>G. VCF-style: chr4-80202323-C-G. GRCh37 (hg19) VCF-style: chr4-81123477-C-G.
Other names: c.861C>G, p.Ser287Arg (NM_020226.4); short protein forms S287R.
Identifiers: ClinVar variation 1364794 (VCV001364794.8), dbSNP rs768031665, ClinGen allele CA2982341.